The following is an entry in ClinVar:

ClinVar aggregate classification (germline): Uncertain significance. Review status: criteria provided, multiple submitters, no conflicts (2 of 4 stars). 2 submissions from 2 submitters: Uncertain significance (2). Last evaluated 2026-01-08.

Conditions:
Hereditary spastic paraplegia 49 (HSAN9). Also called: Spastic paraplegia 49, autosomal recessive; TECPR2-Related Hereditary Sensory and Autonomic Neuropathy with Intellectual Disability; NEUROPATHY, HEREDITARY SENSORY AND AUTONOMIC, TYPE IX, WITH DEVELOPMENTAL DELAY. Identifiers: Orphanet 320385, MedGen C5190860, MONDO:0014016, OMIM 615031.

gnomAD v4.1: 24 of 1,612,768 alleles (0.0015%); highest among the groups gnomAD compares: Middle Eastern, 0.016%; no homozygotes.

Submissions (2):

Labcorp Genetics (formerly Invitae), Labcorp
Classification: Uncertain significance for Hereditary spastic paraplegia 49. Last evaluated: 2026-01-08. Review status: criteria provided, single submitter. Criteria: Invitae Variant Classification Sherloc (09022015). Collection method: clinical testing. Allele origin: germline.
Comment: This sequence change replaces alanine, which is neutral and non-polar, with valine, which is neutral and non-polar, at codon 624 of the TECPR2 protein (p.Ala624Val). This variant is present in population databases (rs760031045, gnomAD 0.003%). This variant has not been reported in the literature in individuals affected with TECPR2-related conditions. ClinVar contains an entry for this variant (Variation ID: 3668746). An algorithm developed to predict the effect of missense changes on protein structure and function outputs the following: PolyPhen-2: "Benign". The valine amino acid residue is found in multiple mammalian species, which suggests that this missense change does not adversely affect protein function. In summary, the available evidence is currently insufficient to determine the role of this variant in disease. Therefore, it has been classified as a Variant of Uncertain Significance.

Blueprint Genetics
Classification: Uncertain significance. Last evaluated: 2024-10-23. Review status: criteria provided, single submitter. Criteria: ACMG Guidelines, 2015. Collection method: clinical testing. Allele origin: germline.

NM_014844.5(TECPR2):c.1871C>T (p.Ala624Val)

Gene: TECPR2 (tectonin beta-propeller repeat containing 2; plus strand). Cytogenetic location: 14q32.31.
Variant type: single nucleotide variant.
Coding change: c.1871C>T on transcript NM_014844.5 (MANE Select); coding-DNA position 1871, C replaced by T.
Protein change: p.Ala624Val; replaces alanine 624 with valine.
Molecular consequence: missense variant.
Genome position (GRCh38, 1-based): chr14:102,434,688, C>T. VCF-style: chr14-102434688-C-T. GRCh37 (hg19) VCF-style: chr14-102901025-C-T.
Other names: c.1871C>T, p.Ala624Val (NM_001172631.3); short protein forms A624V.
Identifiers: ClinVar variation 3668746 (VCV003668746.3).